The following is an entry in ClinVar:

ClinVar aggregate classification (germline): Pathogenic. Review status: criteria provided, multiple submitters, no conflicts (2 of 4 stars). 10 submissions from 10 submitters: Pathogenic (10). Last evaluated 2025-11-20.

Conditions:
Hereditary cancer-predisposing syndrome. Also called: Hereditary Cancer Syndrome; Neoplastic Syndromes, Hereditary; Tumor predisposition; Hereditary neoplastic syndrome. Identifiers: Orphanet 140162, MedGen C0027672, MeSH D009386, MONDO:0015356.
Fanconi anemia complementation group N. Also called: PALB2-Related Fanconi Anemia. Identifiers: Orphanet 84, MedGen C1835817, MONDO:0012565, OMIM 610832. Disease mechanism: loss of function.
Pancreatic cancer, susceptibility to, 3. Identifiers: Orphanet 1333, MedGen C3150547, MONDO:0013236, OMIM 613348.
Breast-ovarian cancer, familial, susceptibility to, 5 (BROVCA5). Identifiers: MedGen C5830615, MONDO:0957530, OMIM 620442.
Familial cancer of breast. Also called: Hereditary breast cancer; hereditary breast carcinoma; BREAST CANCER, FAMILIAL. Identifiers: Orphanet 227535, MedGen C0346153, MONDO:0016419, OMIM 114480. Disease mechanism: loss of function.

Allele frequency attached by ClinVar (database versions not stated): gnomAD exomes below 0.00001; ExAC 0.00001; TOPMed 0.00001.
gnomAD v4.1: 1 of 1,614,006 alleles (0.000062%); highest among the groups gnomAD compares: Non-Finnish European, 0.000085%; no homozygotes.

Submissions (10):

Ambry Genetics
Classification: Pathogenic for Hereditary cancer-predisposing syndrome. Last evaluated: 2025-11-20. Review status: criteria provided, single submitter. Criteria: Ambry Variant Classification Scheme 2023. Collection method: clinical testing. Allele origin: germline.
Comment: The c.1919C>A (p.S640*) alteration, located in exon 5 (coding exon 5) of the PALB2 gene, consists of a C to A substitution at nucleotide position 1919. This changes the amino acid from a serine (S) to a stop codon at amino acid position 640. This alteration is expected to result in loss of function by premature protein truncation or nonsense-mediated mRNA decay. Based on data from gnomAD, the A allele has an overall frequency of <0.001% (1/250622) total alleles studied. The highest observed frequency was 0.001% (1/113516) of European (non-Finnish) alleles. Based on the available evidence, this alteration is classified as pathogenic.

Labcorp Genetics (formerly Invitae), Labcorp
Classification: Pathogenic for Familial cancer of breast. Last evaluated: 2025-07-23. Review status: criteria provided, single submitter. Criteria: Invitae Variant Classification Sherloc (09022015). Collection method: clinical testing. Allele origin: germline.
Comment: This sequence change creates a premature translational stop signal (p.Ser640*) in the PALB2 gene. It is expected to result in an absent or disrupted protein product. Loss-of-function variants in PALB2 are known to be pathogenic (PMID: 17200668, 17200671, 17200672, 24136930, 25099575). This variant is present in population databases (rs760094988, gnomAD 0.0009%). This premature translational stop signal has been observed in individual(s) with breast cancer (PMID: 25666743). ClinVar contains an entry for this variant (Variation ID: 231394). For these reasons, this variant has been classified as Pathogenic.

Center for Genomic Medicine, Rigshospitalet, Copenhagen University Hospital
Classification: Pathogenic. Last evaluated: 2025-03-04. Review status: criteria provided, single submitter. Criteria: ACMG Guidelines, 2015. Collection method: clinical testing. Allele origin: germline.

Fulgent Genetics
Classification: Pathogenic for Fanconi anemia complementation group N; Pancreatic cancer, susceptibility to, 3; Breast-ovarian cancer, familial, susceptibility to, 5. Last evaluated: 2024-04-15. Review status: criteria provided, single submitter. Criteria: ACMG Guidelines, 2015. Collection method: clinical testing. Allele origin: germline.

Baylor Genetics
Classification: Pathogenic for Familial cancer of breast. Last evaluated: 2024-03-26. Review status: criteria provided, single submitter. Criteria: ACMG Guidelines, 2015. Collection method: clinical testing. Allele origin: unknown.

GeneDx
Classification: Pathogenic. Last evaluated: 2023-12-19. Review status: criteria provided, single submitter. Criteria: GeneDx Variant Classification Process June 2021. Collection method: clinical testing. Allele origin: germline. Affected: yes.
Comment: Nonsense variant predicted to result in protein truncation or nonsense mediated decay in a gene for which loss of function is a known mechanism of disease; Not observed at significant frequency in large population cohorts (gnomAD); Truncating variants in this gene are considered pathogenic by a well-established clinical consortium and/or database; Observed in individuals with PALB2-related cancers (PMID: 25666743, 29522266, 31206626, 36292577); This variant is associated with the following publications: (PMID: 25666743, 31206626, 29922827, 32339256, 29522266, 36292577)

Myriad Genetics, Inc.
Classification: Pathogenic for Familial cancer of breast. Last evaluated: 2023-09-12. Review status: criteria provided, single submitter. Criteria: Myriad Autosomal Dominant, Autosomal Recessive and X-Linked Classification Criteria (2023). Collection method: clinical testing. Allele origin: unknown.
Comment: This variant is considered pathogenic. This variant creates a termination codon and is predicted to result in premature protein truncation.

Color Diagnostics, LLC DBA Color Health
Classification: Pathogenic for Hereditary cancer-predisposing syndrome. Last evaluated: 2023-08-08. Review status: criteria provided, single submitter. Criteria: ACMG Guidelines, 2015. Collection method: clinical testing. Allele origin: germline.
Comment: This variant changes 1 nucleotide in exon 5 of the PALB2 gene, creating a premature translation stop signal. This variant is expected to result in an absent or non-functional protein product. This variant has been reported in three individuals affected with breast cancer (PMID: 25666743, 29522266, 32339256). This variant has been identified in 1/250622 chromosomes in the general population by the Genome Aggregation Database (gnomAD). Loss of PALB2 function is a known mechanism of disease. Based on the available evidence, this variant is classified as Pathogenic.

MGZ Medical Genetics Center
Classification: Pathogenic for Familial cancer of breast. Last evaluated: 2021-09-28. Review status: criteria provided, single submitter. Criteria: ACMG Guidelines, 2015. Collection method: clinical testing. Allele origin: germline. Affected: yes. Observed: 1 variant allele.
Comment: ACMG criteria applied: PVS1, PS4_MOD, PM2_SUP

Clinical Genetics and Genomics, Karolinska University Hospital
Classification: Pathogenic. Last evaluated: 2020-02-05. Review status: criteria provided, single submitter. Criteria: ACMG Guidelines, 2015. Collection method: clinical testing. Allele origin: germline. Affected: yes. Observed: 1 variant allele.

Literature cited by the submitters: PubMed 25666743 (cited by 4 submitters); PubMed 17200668 (cited by Labcorp Genetics (formerly Invitae), Labcorp); PubMed 17200671 (cited by Labcorp Genetics (formerly Invitae), Labcorp); PubMed 17200672 (cited by Labcorp Genetics (formerly Invitae), Labcorp); PubMed 24136930 (cited by Labcorp Genetics (formerly Invitae), Labcorp); PubMed 25099575 (cited by Labcorp Genetics (formerly Invitae), Labcorp); PubMed 29522266 (cited by Color Diagnostics, LLC DBA Color Health); PubMed 32339256 (cited by Color Diagnostics, LLC DBA Color Health).

NM_024675.4(PALB2):c.1919C>A (p.Ser640Ter)

Gene: PALB2 (partner and localizer of BRCA2; minus strand). Cytogenetic location: 16p12.2.
Variant type: single nucleotide variant.
Coding change: c.1919C>A on transcript NM_024675.4 (MANE Select); coding-DNA position 1919, C replaced by A.
Protein change: p.Ser640Ter; replaces serine 640 with a stop codon.
Molecular consequence: nonsense.
Genome position (GRCh38, 1-based): chr16:23,630,235, G>T on the plus strand (C>A on the coding strand, the complement: PALB2 is on the minus strand). VCF-style: chr16-23630235-G-T. GRCh37 (hg19) VCF-style: chr16-23641556-G-T.
Other names: short protein forms S640*.
Identifiers: ClinVar variation 231394 (VCV000231394.29), dbSNP rs760094988, ClinGen allele CA7963646.